The following is an entry in ClinVar:

NC_000023.11:g.(?_13735052)_(13744539_?)del

Genes: OFD1 (OFD1 centriole and centriolar satellite protein; plus strand), LOC126863212 (CDK7 strongly-dependent group 2 enhancer GRCh37_chrX:13752241-13753440; plus strand). Cytogenetic location: Xp22.2.
Variant type: Deletion.
Identifiers: ClinVar variation 463446 (VCV000463446.10).

ClinVar aggregate classification (germline): Pathogenic (1 of 4 stars; one submission).

Conditions:
Joubert syndrome. Also called: CEREBELLOPARENCHYMAL DISORDER IV; JOUBERT-BOLTSHAUSER SYNDROME; Familial aplasia of the vermis. Identifiers: Orphanet 475, MedGen C5979921, MONDO:0018772.
Orofaciodigital syndrome I (OFD1). Also called: OFDS I; Papillon-Leage and Psaume Syndrome; Oral-Facial-Digital Syndrome Type I. Identifiers: Orphanet 2750, MedGen C1510460, MONDO:0010702, OMIM 311200.

Submission:

Labcorp Genetics (formerly Invitae), Labcorp
Classification: Pathogenic for Orofaciodigital syndrome I; Joubert syndrome. Last evaluated: 2017-03-31. Review status: criteria provided, single submitter. Criteria: Invitae Variant Classification Sherloc (09022015). Collection method: clinical testing. Allele origin: germline.
Comment: This variant is a gross deletion of the genomic region encompassing exons 1-6 of the OFD1 gene, which includes the initiator codon. The 5' end of this event is unknown as it extends beyond the assayed region for this gene and therefore may encompass additional genes. The 3' boundary is likely confined to intron 6 of the OFD1 gene. This is expected to result in an absent or disrupted protein product. While this particular variant has not been reported in the literature, loss-of-function variants in OFD1 are known to be pathogenic (PMID: 18546297). For these reasons, this variant has been classified as Pathogenic.

Literature cited by the submitters: PubMed 18546297.